The following is an entry in ClinVar:

ClinVar aggregate classification (germline): Uncertain significance. Review status: criteria provided, multiple submitters, no conflicts (2 of 4 stars). 2 submissions from 2 submitters: Uncertain significance (2). Last evaluated 2023-12-05.

Conditions:
Hereditary cancer-predisposing syndrome. Also called: Neoplastic Syndromes, Hereditary; Tumor predisposition; Hereditary Cancer Syndrome; Hereditary neoplastic syndrome. Identifiers: Orphanet 140162, MedGen C0027672, MeSH D009386, MONDO:0015356.

Submissions (2):

Color Diagnostics, LLC DBA Color Health
Classification: Uncertain significance for Hereditary cancer-predisposing syndrome. Last evaluated: 2023-12-05. Review status: criteria provided, single submitter. Criteria: ACMG Guidelines, 2015. Collection method: clinical testing. Allele origin: germline.
Comment: This missense variant replaces valine with aspartic acid at codon 127 of the MSH6 protein. Computational prediction suggests that this variant may not impact protein structure and function (internally defined REVEL score threshold <= 0.5, PMID: 27666373). To our knowledge, functional studies have not been reported for this variant. This variant has not been reported in individuals affected with MSH6-related disorders in the literature. This variant has not been identified in the general population by the Genome Aggregation Database (gnomAD). The available evidence is insufficient to determine the role of this variant in disease conclusively. Therefore, this variant is classified as a Variant of Uncertain Significance.

Ambry Genetics
Classification: Uncertain significance for Hereditary cancer-predisposing syndrome. Last evaluated: 2022-05-14. Review status: criteria provided, single submitter. Criteria: Ambry Variant Classification Scheme 2023. Collection method: clinical testing. Allele origin: germline.
Comment: The p.V127D variant (also known as c.380T>A), located in coding exon 2 of the MSH6 gene, results from a T to A substitution at nucleotide position 380. The valine at codon 127 is replaced by aspartic acid, an amino acid with highly dissimilar properties. This amino acid position is conserved. In addition, this alteration is predicted to be tolerated by in silico analysis. Since supporting evidence is limited at this time, the clinical significance of this alteration remains unclear.

NM_000179.3(MSH6):c.380T>A (p.Val127Asp)

Gene: MSH6 (mutS homolog 6; plus strand). Cytogenetic location: 2p16.3.
Variant type: single nucleotide variant.
Coding change: c.380T>A on transcript NM_000179.3 (MANE Select); coding-DNA position 380, T replaced by A.
Protein change: p.Val127Asp; replaces valine 127 with aspartic acid.
Molecular consequence: missense variant. On other transcripts: 5 prime UTR variant (2), intron variant (1).
Genome position (GRCh38, 1-based): chr2:47,791,046, T>A. VCF-style: chr2-47791046-T-A. GRCh37 (hg19) VCF-style: chr2-48018185-T-A.
Other names: c.-523T>A (NM_001281494.2); c.238-7565T>A (NM_001281492.2); c.-357T>A (NM_001281493.2); short protein forms V127D.
Identifiers: ClinVar variation 924179 (VCV000924179.6), dbSNP rs1668695908, ClinGen allele CA346737047.